The following is an entry in ClinVar:

ClinVar aggregate classification (germline): Uncertain significance (1 of 4 stars; one submission).

Conditions:
Malignant hyperthermia, susceptibility to, 1 (MHS1). Also called: RYR1-Related Malignant Hyperthermia Susceptibility; Anesthesia related hyperthermia; Malignant hyperpyrexia; Fulminating hyperpyrexia; Pharmacogenic myopathy; Malignant hyperthermia suceptibility 1. Identifiers: Orphanet 423, MedGen C2930980, MONDO:0007783, OMIM 145600.

Allele frequency attached by ClinVar (database versions not stated): gnomAD exomes below 0.00001; TOPMed below 0.00001.
gnomAD v4.1: 3 of 1,612,734 alleles (0.00019%); highest among the groups gnomAD compares: African/African-American, 0.0013%; no homozygotes.

Submission:

All of Us Research Program, National Institutes of Health
Classification: Uncertain significance for Malignant hyperthermia, susceptibility to, 1. Last evaluated: 2023-04-10. Review status: criteria provided, single submitter. Criteria: ACMG Guidelines, 2015. Collection method: clinical testing. Allele origin: germline. Inheritance: Autosomal dominant inheritance. Observed: 1 variant allele, 1 heterozygote.
Comment: This missense variant replaces alanine with valine at codon 1818 of the RYR1 protein. Computational prediction suggests that this variant may have deleterious impact on protein structure and function (internally defined REVEL score threshold >= 0.7, PMID: 27666373). To our knowledge, functional studies have not been reported for this variant. This variant has not been reported in individuals affected with RYR1-related disorders in the literature. This variant has been identified in 1/239312 chromosomes in the general population by the Genome Aggregation Database (gnomAD). The available evidence is insufficient to determine the role of this variant in disease conclusively. Therefore, this variant is classified as a Variant of Uncertain Significance.

This study involves interpretation of variants in research participants for the purpose of population health screening. Participant phenotype was not available at the time of variant classification. Additional details can be found in publication PMID: 35346344, PMCID: PMC8962531

NM_000540.3(RYR1):c.5453C>T (p.Ala1818Val)

Gene: RYR1 (ryanodine receptor 1; plus strand). Cytogenetic location: 19q13.2.
Variant type: single nucleotide variant.
Coding change: c.5453C>T on transcript NM_000540.3 (MANE Select); coding-DNA position 5453, C replaced by T.
Protein change: p.Ala1818Val; replaces alanine 1818 with valine.
Molecular consequence: missense variant.
Genome position (GRCh38, 1-based): chr19:38,486,108, C>T. VCF-style: chr19-38486108-C-T. GRCh37 (hg19) VCF-style: chr19-38976748-C-T.
Other names: c.5453C>T, p.Ala1818Val (NM_001042723.2); short protein forms A1818V.
Identifiers: ClinVar variation 3070381 (VCV003070381.1), dbSNP rs1274823763, ClinGen allele CA405655393.